The following is an entry in ClinVar:

NM_025114.4(CEP290):c.6977A>G (p.His2326Arg)

Gene: CEP290 (centrosomal protein 290; minus strand). Cytogenetic location: 12q21.32.
Variant type: single nucleotide variant.
Coding change: c.6977A>G on transcript NM_025114.4 (MANE Select); coding-DNA position 6977, A replaced by G.
Protein change: p.His2326Arg; replaces histidine 2326 with arginine.
Molecular consequence: missense variant.
Genome position (GRCh38, 1-based): chr12:88,054,397, T>C on the plus strand (A>G on the coding strand, the complement: CEP290 is on the minus strand). VCF-style: chr12-88054397-T-C. GRCh37 (hg19) VCF-style: chr12-88448174-T-C.
Other names: short protein forms H2326R.
Identifiers: ClinVar variation 2058398 (VCV002058398.4), dbSNP rs2499446173, ClinGen allele CA385975699.
Genomic context (GRCh38, chr12:88,054,397, plus strand): 5'-TACCTAAGAACTTGAAGCTCCCGTTTAAGGCCTTGCTCTGTCTCAGCACCTTCAGGAACA[T>C]GTTTAAGAATCTTAATCTTTGAGGACAATGAAAAGTTAGAAGATAAGGTTTGCCATGGAA-3'
Protein context (NP_079390.3, residues 2316-2336): DLEQQIKILK[His2326Arg]VPEGAETEQG

ClinVar aggregate classification (germline): Uncertain significance (1 of 4 stars; one submission).

Conditions:
Joubert syndrome. Also called: CEREBELLOPARENCHYMAL DISORDER IV; JOUBERT-BOLTSHAUSER SYNDROME; Familial aplasia of the vermis. Identifiers: Orphanet 475, MedGen C5979921, MONDO:0018772.
Nephronophthisis. Also called: Juvenile Nephronophthisis. Identifiers: Orphanet 655, MedGen C0687120, MONDO:0019005, HP:0000090.
Meckel-Gruber syndrome. Also called: DYSENCEPHALIA SPLANCHNOCYSTICA; GRUBER SYNDROME; Dysencephalia splachnocystica. Identifiers: Orphanet 564, MedGen C0265215, MONDO:0018921.

Submission:

Labcorp Genetics (formerly Invitae), Labcorp
Classification: Uncertain significance for Joubert syndrome; Meckel-Gruber syndrome; Nephronophthisis. Last evaluated: 2021-12-24. Review status: criteria provided, single submitter. Criteria: Invitae Variant Classification Sherloc (09022015). Collection method: clinical testing. Allele origin: germline.
Comment: This variant has not been reported in the literature in individuals affected with CEP290-related conditions. Algorithms developed to predict the effect of missense changes on protein structure and function output the following: SIFT: "Tolerated"; PolyPhen-2: "Benign"; Align-GVGD: "Class C0". The arginine amino acid residue is found in multiple mammalian species, which suggests that this missense change does not adversely affect protein function. In summary, the available evidence is currently insufficient to determine the role of this variant in disease. Therefore, it has been classified as a Variant of Uncertain Significance. This variant is not present in population databases (gnomAD no frequency). This sequence change replaces histidine, which is basic and polar, with arginine, which is basic and polar, at codon 2326 of the CEP290 protein (p.His2326Arg).